The following is an entry in ClinVar:

ClinVar aggregate classification (germline): Uncertain significance (1 of 4 stars; one submission).

Submission:

Labcorp Genetics (formerly Invitae), Labcorp
Classification: Uncertain significance. Last evaluated: 2024-08-17. Review status: criteria provided, single submitter. Criteria: Invitae Variant Classification Sherloc (09022015). Collection method: clinical testing. Allele origin: germline.
Comment: This sequence change replaces lysine, which is basic and polar, with asparagine, which is neutral and polar, at codon 343 of the POLE2 protein (p.Lys343Asn). This variant is not present in population databases (gnomAD no frequency). This variant has not been reported in the literature in individuals affected with POLE2-related conditions. An algorithm developed to predict the effect of missense changes on protein structure and function (PolyPhen-2) suggests that this variant is likely to be tolerated. In summary, the available evidence is currently insufficient to determine the role of this variant in disease. Therefore, it has been classified as a Variant of Uncertain Significance.

NM_002692.4(POLE2):c.1029A>C (p.Lys343Asn)

Gene: POLE2 (DNA polymerase epsilon 2, accessory subunit; minus strand). Cytogenetic location: 14q21.3.
Variant type: single nucleotide variant.
Coding change: c.1029A>C on transcript NM_002692.4 (MANE Select); coding-DNA position 1029, A replaced by C.
Protein change: p.Lys343Asn; replaces lysine 343 with asparagine.
Molecular consequence: missense variant.
Genome position (GRCh38, 1-based): chr14:49,654,828, T>G on the plus strand (A>C on the coding strand, the complement: POLE2 is on the minus strand). VCF-style: chr14-49654828-T-G. GRCh37 (hg19) VCF-style: chr14-50121546-T-G.
Other names: c.951A>C, p.Lys317Asn (NM_001197330.2); c.1029A>C, p.Lys343Asn (NM_001197331.3, NM_001348384.2); c.798A>C, p.Lys266Asn (NM_001348385.2); short protein forms K266N, K317N, K343N.
Identifiers: ClinVar variation 3662028 (VCV003662028.2).